The following is an entry in ClinVar:

NM_182961.4(SYNE1):c.1260A>C (p.Arg420Ser)

Gene: SYNE1 (spectrin repeat containing nuclear envelope protein 1; minus strand). Cytogenetic location: 6q25.2.
Variant type: single nucleotide variant.
Coding change: c.1260A>C on transcript NM_182961.4 (MANE Select); coding-DNA position 1260, A replaced by C.
Protein change: p.Arg420Ser; replaces arginine 420 with serine.
Molecular consequence: missense variant.
Genome position (GRCh38, 1-based): chr6:152,483,175, T>G on the plus strand (A>C on the coding strand, the complement: SYNE1 is on the minus strand). VCF-style: chr6-152483175-T-G. GRCh37 (hg19) VCF-style: chr6-152804310-T-G.
Other names: c.1281A>C, p.Arg427Ser (NM_033071.5); short protein forms R420S, R427S.
Identifiers: ClinVar variation 3034691 (VCV003034691.2), dbSNP rs2505674547, ClinGen allele CA366140146.

ClinVar aggregate classification (germline): Uncertain significance (0 of 4 stars; one submission).

Conditions:
SYNE1-related disorder. Also called: SYNE1-related disease; SYNE1-related condition; SYNE1-related disorders.

Submission:

PreventionGenetics, part of Exact Sciences
Classification: Uncertain significance for SYNE1-related condition. Last evaluated: 2023-12-19. Review status: no assertion criteria provided. Collection method: clinical testing. Allele origin: germline.
Comment: The SYNE1 c.1281A>C variant is predicted to result in the amino acid substitution p.Arg427Ser. To our knowledge, this variant has not been reported in the literature or in a large population database, indicating this variant is rare. At this time, the clinical significance of this variant is uncertain due to the absence of conclusive functional and genetic evidence.